The following is an entry in ClinVar:

ClinVar aggregate classification (germline): Pathogenic. Review status: criteria provided, multiple submitters, no conflicts (2 of 4 stars). 2 submissions from 2 submitters: Pathogenic (2). Last evaluated 2021-08-04.

Conditions:
X-linked Alport syndrome (ATS1). Also called: COL4A5-Related Nephropathy; NEPHROPATHY AND DEAFNESS, X-LINKED. Identifiers: Orphanet 63, Orphanet 88917, MedGen C4746986, MONDO:0010520, OMIM 301050.

Submissions (2):

Labcorp Genetics (formerly Invitae), Labcorp
Classification: Pathogenic. Last evaluated: 2021-08-04. Review status: criteria provided, single submitter. Criteria: Invitae Variant Classification Sherloc (09022015). Collection method: clinical testing. Allele origin: germline.
Comment: This sequence change creates a premature translational stop signal (p.Gln1171*) in the COL4A5 gene. It is expected to result in an absent or disrupted protein product. This variant is not present in population databases (ExAC no frequency). This variant has not been reported in the literature in individuals with COL4A5-related conditions. Loss-of-function variants in COL4A5 are known to be pathogenic (PMID: 9195222, 10752524, 14514738, 24854265, 26809805). For these reasons, this variant has been classified as Pathogenic.

Molecular Biology Laboratory, Fundació Puigvert
Classification: Pathogenic for X-linked Alport syndrome. Last evaluated: 2020-02-01. Review status: criteria provided, single submitter. Criteria: ACMG Guidelines, 2015. Collection method: research. Allele origin: germline. Affected: yes. Study: KidneyPanel_2020.

Literature cited by the submitters: PubMed 9195222 (cited by Labcorp Genetics (formerly Invitae), Labcorp); PubMed 10752524 (cited by Labcorp Genetics (formerly Invitae), Labcorp); PubMed 14514738 (cited by Labcorp Genetics (formerly Invitae), Labcorp); PubMed 24854265 (cited by Labcorp Genetics (formerly Invitae), Labcorp); PubMed 26809805 (cited by Labcorp Genetics (formerly Invitae), Labcorp); PubMed 33532864 (cited by Molecular Biology Laboratory, Fundació Puigvert).

NM_033380.3(COL4A5):c.3511C>T (p.Gln1171Ter)

Gene: COL4A5 (collagen type IV alpha 5 chain; plus strand). Cytogenetic location: Xq22.3.
Variant type: single nucleotide variant.
Coding change: c.3511C>T on transcript NM_033380.3 (MANE Select); coding-DNA position 3511, C replaced by T.
Protein change: p.Gln1171Ter; replaces glutamine 1171 with a stop codon.
Molecular consequence: nonsense.
Genome position (GRCh38, 1-based): chrX:108,666,552, C>T. VCF-style: chrX-108666552-C-T. GRCh37 (hg19) VCF-style: chrX-107909782-C-T.
Other names: c.3511C>T, p.Gln1171Ter (NM_000495.5); short protein forms Q1171*.
Identifiers: ClinVar variation 974430 (VCV000974430.8), dbSNP rs2068084185, ClinGen allele CA413847776.
Genomic context (GRCh38, chrX:108,666,552, plus strand): 5'-TTAGGTGGTGGAGGTCATCCTGGGCAACCAGGGCCTCCAGGCGAAAAAGGCAAACCCGGT[C>T]AAGATGGTATTCCTGGACCAGCTGGACAGAAGGGTGAACCAGGTGCTGTAGTTTTTCATT-3'